The following is an entry in ClinVar:

NM_000512.5(GALNS):c.1364+8G>A

Gene: GALNS (galactosamine (N-acetyl)-6-sulfatase; minus strand). Cytogenetic location: 16q24.3.
Variant type: single nucleotide variant.
Coding change: c.1364+8G>A on transcript NM_000512.5 (MANE Select); 8 bases into the intron after coding-DNA position 1364, G replaced by A.
Molecular consequence: intron variant.
Genome position (GRCh38, 1-based): chr16:88,822,581, C>T on the plus strand (G>A on the coding strand, the complement: GALNS is on the minus strand). VCF-style: chr16-88822581-C-T. GRCh37 (hg19) VCF-style: chr16-88888989-C-T.
Other names: p.?; c.809+8G>A (NM_001323543.2); c.1382+8G>A (NM_001323544.2).
Identifiers: ClinVar variation 528325 (VCV000528325.13), dbSNP rs368171136, ClinGen allele CA8234713.
Genomic context (GRCh38, chr16:88,822,581, plus strand): 5'-TGGAGCCTGCATTTGGGGGAGTCCGGCTGGCACTGCCTCAGCAGCCAGGAGGCCCTGCAC[C>T]GACTCACCTGAGGGGGAACCTCTCCCCTGGGTCCCGTCCCAGGTGGAAGATCAGGGGCAG-3'

ClinVar aggregate classification (germline): Likely benign. Review status: criteria provided, multiple submitters, no conflicts (2 of 4 stars). 4 submissions from 4 submitters: Likely benign (4). Last evaluated 2026-07-01.

Conditions:
Mucopolysaccharidosis, MPS-IV-A (MPS4A). Also called: Morquio syndrome A, mild; MPS IVA; MORQUIO SYNDROME A; GALACTOSAMINE-6-SULFATASE DEFICIENCY; GALNS DEFICIENCY; mucopolysaccharidosis type 4A. Identifiers: Orphanet 309297, Orphanet 582, MedGen C0086651, MONDO:0009659, OMIM 253000.
GALNS-related disorder. Also called: GALNS-related condition.

Allele frequency attached by ClinVar (database versions not stated): ExAC 0.00015; gnomAD exomes 0.00015; ESP Exome Variant Server 0.00023; 1000 Genomes Project 30x 0.00031; gnomAD 0.00033 and 0.00034; TOPMed 0.00040.
gnomAD v4.1: 175 of 1,612,114 alleles (0.011%); highest among the groups gnomAD compares: African/African-American, 0.087%; 1 homozygote.

Submissions (4):

PreventionGenetics, part of Exact Sciences
Classification: Likely benign for GALNS-related condition. Last evaluated: 2026-07-01. Review status: criteria provided, single submitter. Criteria: ACMG Guidelines, 2015. Collection method: clinical testing. Allele origin: germline.
Comment: This variant is classified as likely benign based on ACMG/AMP sequence variant interpretation guidelines (Richards et al. 2015 PMID: 25741868, with internal and published modifications).

Labcorp Genetics (formerly Invitae), Labcorp
Classification: Likely benign for Mucopolysaccharidosis, MPS-IV-A. Last evaluated: 2026-01-26. Review status: criteria provided, single submitter. Criteria: Invitae Variant Classification Sherloc (09022015). Collection method: clinical testing. Allele origin: germline.

Mayo Clinic Laboratories, Mayo Clinic
Classification: Likely benign. Last evaluated: 2025-09-24. Review status: criteria provided, single submitter. Criteria: ACMG Guidelines, 2015. Collection method: clinical testing. Allele origin: germline. Observed: 1 variant allele.
Comment: BP4, BP7

Breakthrough Genomics
Classification: Likely benign. Review status: criteria provided, single submitter. Criteria: ACMG Guidelines, 2015. Collection method: not provided. Allele origin: germline. Inheritance: Autosomal recessive inheritance. Affected: yes.